The following is an entry in ClinVar:

NM_001029896.2(WDR45):c.863G>T (p.Gly288Val)

Gene: WDR45 (WD repeat domain 45; minus strand). Cytogenetic location: Xp11.23.
Variant type: single nucleotide variant.
Coding change: c.863G>T on transcript NM_001029896.2 (MANE Select); coding-DNA position 863, G replaced by T.
Protein change: p.Gly288Val; replaces glycine 288 with valine.
Molecular consequence: missense variant.
Genome position (GRCh38, 1-based): chrX:49,075,246, C>A on the plus strand (G>T on the coding strand, the complement: WDR45 is on the minus strand). VCF-style: chrX-49075246-C-A. GRCh37 (hg19) VCF-style: chrX-48932905-C-A.
Other names: c.866G>T, p.Gly289Val (NM_007075.4); short protein forms G289V, G288V.
Identifiers: ClinVar variation 212595 (VCV000212595.13), dbSNP rs797046104, ClinGen allele CA206530.
Genomic context (GRCh38, chrX:49,075,246, plus strand): 5'-CAAGCTGACTCAGCAGGCACAGTGAAGCTCGCCAGGCTCCACTGAGAGTCCACGTACTGC[C>A]CAATCATAGGCCCCACCTTGCCCACGCGAGCCAGCCTGCAGGCAGCACTGGCTAAGCCCA-3'
Protein context (NP_001025067.1, residues 278-298): ARVGKVGPMI[Gly288Val]QYVDSQWSLA

ClinVar aggregate classification (germline): Uncertain significance. Review status: criteria provided, multiple submitters, no conflicts (2 of 4 stars). 2 submissions from 2 submitters: Uncertain significance (2). Last evaluated 2024-01-08.

Conditions:
Neurodegeneration with brain iron accumulation 5 (NBIA5). Also called: STATIC ENCEPHALOPATHY OF CHILDHOOD WITH NEURODEGENERATION IN ADULTHOOD; Beta-propeller protein-associated neurodegeneration. Identifiers: Orphanet 329284, MedGen C3550973, MONDO:0010476, OMIM 300894.

Submissions (2):

Labcorp Genetics (formerly Invitae), Labcorp
Classification: Uncertain significance for Neurodegeneration with brain iron accumulation 5. Last evaluated: 2024-01-08. Review status: criteria provided, single submitter. Criteria: Invitae Variant Classification Sherloc (09022015). Collection method: clinical testing. Allele origin: germline.
Comment: This sequence change replaces glycine, which is neutral and non-polar, with valine, which is neutral and non-polar, at codon 289 of the WDR45 protein (p.Gly289Val). This variant is not present in population databases (gnomAD no frequency). This variant has not been reported in the literature in individuals affected with WDR45-related conditions. ClinVar contains an entry for this variant (Variation ID: 212595). Advanced modeling of protein sequence and biophysical properties (such as structural, functional, and spatial information, amino acid conservation, physicochemical variation, residue mobility, and thermodynamic stability) performed at Invitae indicates that this missense variant is not expected to disrupt WDR45 protein function with a negative predictive value of 80%. In summary, the available evidence is currently insufficient to determine the role of this variant in disease. Therefore, it has been classified as a Variant of Uncertain Significance.

Genetic Services Laboratory, University of Chicago
Classification: Uncertain significance. Last evaluated: 2015-06-10. Review status: criteria provided, single submitter. Criteria: ACMG Guidelines, 2015. Collection method: clinical testing. Allele origin: germline.